The following is an entry in ClinVar:

ClinVar aggregate classification (germline): Uncertain significance (1 of 4 stars; one submission).

Conditions:
Webb-Dattani syndrome (WEDAS). Also called: HYPOTHALAMO-PITUITARY-FRONTOTEMPORAL HYPOPLASIA WITH VISUAL AND RENAL ANOMALIES. Identifiers: MedGen C4014708, MONDO:0014404, OMIM 615926.

Submission:

Institute for Medical Genetics and Human Genetics, Charité - Universitätsmedizin Berlin
Classification: Uncertain significance for Webb-Dattani syndrome. Review status: criteria provided, single submitter. Criteria: ACMG Guidelines, 2015. Collection method: clinical testing. Allele origin: germline. Affected: yes. Observed: 1 homozygote.
Comment: Bioinformatic prediction programs predict an altered splicing by activation of a cryptic splice site. The sequence variant is not listed in the database gnomAD. ARNT2 codes for the transcription factor "Aryl hydrocarbon receptor nuclear translocator 2" (MIM *606036). So far, a homozygous truncating mutation in ARNT2 has been described in one family as the cause of Webb-Dattani syndrome (MIM # 615926) (Webb et al., 2013). The following clinical features have been described in affected family members: frontotemporal hypoplasia, developmental delay, hypothalamic-pituitary dysfunction, diabetes insipidus, seizure disorders and secondary microcephaly. Experimental studies suggest that mice with homozygous missense mutations suffer from obesity, hyperphagia, and polydypsia (Turer et al. 2018). The result was confirmed by Sanger sequencing. We were able to detect a homozygous sequence variant in the ARNT2 gene, which must be classified as a variant of unclear significance according to the current state of knowledge.

NM_014862.4(ARNT2):c.726-3T>G

Gene: ARNT2 (aryl hydrocarbon receptor nuclear translocator 2; plus strand). Cytogenetic location: 15q25.1.
Variant type: single nucleotide variant.
Coding change: c.726-3T>G on transcript NM_014862.4 (MANE Select); 3 bases into the intron before coding-DNA position 726, T replaced by G.
Molecular consequence: intron variant.
Genome position (GRCh38, 1-based): chr15:80,513,908, T>G. VCF-style: chr15-80513908-T-G. GRCh37 (hg19) VCF-style: chr15-80806249-T-G.
Identifiers: ClinVar variation 981216 (VCV000981216.3), dbSNP rs1897384694, ClinGen allele CA1139664102.